The following is an entry in ClinVar:

NM_031885.5(BBS2):c.1148_1149dup (p.His384fs)

Gene: BBS2 (Bardet-Biedl syndrome 2; minus strand). Cytogenetic location: 16q13.
Variant type: Duplication.
Coding change: c.1148_1149dup on transcript NM_031885.5 (MANE Select); coding-DNA positions 1148 to 1149, 2 bases duplicated (TC; older notation c.1148_1149dupTC).
Protein change: p.His384fs; shifts the reading frame from histidine 384.
Molecular consequence: frameshift variant. On other transcripts: non-coding transcript variant (5).
Genome position (GRCh38, 1-based): chr16:56,501,429-56,501,430, GA duplicated on the plus strand (TC on the coding strand, the reverse complement: BBS2 is on the minus strand); duplicating any 2 consecutive bases within chr16:56,501,429-56,501,431 gives the same sequence; the c. name uses the placement nearest the transcript's 3' end. VCF-style (leftmost placement, unchanged base first): chr16-56501428-G-GGA. GRCh37 (hg19) VCF-style: chr16-56535340-G-GGA.
Other names: c.1148_1149dup, p.His384fs (NM_001377456.1); short protein forms H384fs.
Identifiers: ClinVar variation 2972804 (VCV002972804.6), dbSNP rs2543709313, ClinGen allele CA2695223501.

ClinVar aggregate classification (germline): Pathogenic. Review status: criteria provided, multiple submitters, no conflicts (2 of 4 stars). 3 submissions from 3 submitters: Pathogenic (3). Last evaluated 2023-12-03.

Conditions:
Bardet-Biedl syndrome 2 (BBS2). Identifiers: Orphanet 110, MedGen C2936863, MONDO:0014432, OMIM 615981.
BBS2-related ciliopathy. Identifiers: MedGen CN378634, MONDO:1040048.
Bardet-Biedl syndrome (BBS). Identifiers: Orphanet 110, MedGen C0752166, MONDO:0015229.

Submissions (3):

Labcorp Genetics (formerly Invitae), Labcorp
Classification: Pathogenic for Bardet-Biedl syndrome. Last evaluated: 2023-12-03. Review status: criteria provided, single submitter. Criteria: Invitae Variant Classification Sherloc (09022015). Collection method: clinical testing. Allele origin: germline.
Comment: This sequence change creates a premature translational stop signal (p.His384Serfs*34) in the BBS2 gene. It is expected to result in an absent or disrupted protein product. Loss-of-function variants in BBS2 are known to be pathogenic (PMID: 11285252, 20177705, 24608809, 26518167). This variant is not present in population databases (gnomAD no frequency). This premature translational stop signal has been observed in individual(s) with clinical features of Bardet-Biedl syndrome (PMID: 29095814, 32531870). For these reasons, this variant has been classified as Pathogenic.

Myriad Genetics, Inc.
Classification: Pathogenic for BBS2-related ciliopathy. Last evaluated: 2023-10-07. Review status: criteria provided, single submitter. Criteria: Myriad Autosomal Dominant, Autosomal Recessive and X-Linked Classification Criteria (2023). Collection method: clinical testing. Allele origin: unknown.
Comment: NM_031885.3(BBS2):c.1148_1149dupTC(H384Sfs*34) is expected to be pathogenic in the context of Bardet-Biedl syndrome, BBS2-related. This variant is predicted to lead to an abnormal or absent protein product due to the creation of a premature termination codon in BBS2, a gene where loss-of-function variants are known to be pathogenic. Please note: this variant was assessed in the context of healthy population screening.

Juno Genomics, Hangzhou Juno Genomics, Inc
Classification: Pathogenic for Bardet-Biedl syndrome 2. Review status: criteria provided, single submitter. Criteria: ACMG Guidelines, 2015. Collection method: clinical testing. Allele origin: germline.
Comment: Absent from controls (or at extremely low frequency if recessive) in Genome Aggregation Database.;Null variant in a gene where loss of function (LOF) is a known mechanism of disease.;For recessive disorders, detected in trans with a pathogenic variant.

Literature cited by the submitters: PubMed 11285252 (cited by Labcorp Genetics (formerly Invitae), Labcorp); PubMed 20177705 (cited by Labcorp Genetics (formerly Invitae), Labcorp); PubMed 24608809 (cited by Labcorp Genetics (formerly Invitae), Labcorp); PubMed 26518167 (cited by Labcorp Genetics (formerly Invitae), Labcorp); PubMed 29095814 (cited by Labcorp Genetics (formerly Invitae), Labcorp); PubMed 32531870 (cited by Labcorp Genetics (formerly Invitae), Labcorp).